The following is an entry in ClinVar:

ClinVar aggregate classification (germline): Uncertain significance. Review status: criteria provided, multiple submitters, no conflicts (2 of 4 stars). 2 submissions from 2 submitters: Uncertain significance (2). Last evaluated 2025-02-22.

Conditions:
Hereditary sensory neuropathy-deafness-dementia syndrome. Also called: Hereditary sensory neuropathy type IE; NEUROPATHY, HEREDITARY SENSORY, WITH HEARING LOSS AND DEMENTIA; Hereditary Sensory and Autonomic Neuropathy Type 1E (HSAN1E); HSN IE. Identifiers: Orphanet 456318, MedGen C3279885, MONDO:0013584, OMIM 614116.

Allele frequency attached by ClinVar (database versions not stated): gnomAD exomes below 0.00001; ExAC 0.00001.
gnomAD v4.1: 1 of 1,614,158 alleles (0.000062%); highest among the groups gnomAD compares: South Asian, 0.0011%; no homozygotes.

Submissions (2):

GeneDx
Classification: Uncertain significance. Last evaluated: 2025-02-22. Review status: criteria provided, single submitter. Criteria: GeneDx Variant Classification Process June 2021. Collection method: clinical testing. Allele origin: germline. Affected: yes.
Comment: Not observed at significant frequency in large population cohorts (gnomAD); In silico analysis indicates that this missense variant does not alter protein structure/function; Has not been previously published as pathogenic or benign to our knowledge

Labcorp Genetics (formerly Invitae), Labcorp
Classification: Uncertain significance for Hereditary sensory neuropathy-deafness-dementia syndrome. Last evaluated: 2024-04-17. Review status: criteria provided, single submitter. Criteria: Invitae Variant Classification Sherloc (09022015). Collection method: clinical testing. Allele origin: germline.
Comment: This sequence change replaces methionine, which is neutral and non-polar, with isoleucine, which is neutral and non-polar, at codon 861 of the DNMT1 protein (p.Met861Ile). This variant is present in population databases (rs758465656, gnomAD 0.003%). This variant has not been reported in the literature in individuals affected with DNMT1-related conditions. ClinVar contains an entry for this variant (Variation ID: 1425323). Advanced modeling of protein sequence and biophysical properties (such as structural, functional, and spatial information, amino acid conservation, physicochemical variation, residue mobility, and thermodynamic stability) performed at Invitae indicates that this missense variant is not expected to disrupt DNMT1 protein function with a negative predictive value of 80%. In summary, the available evidence is currently insufficient to determine the role of this variant in disease. Therefore, it has been classified as a Variant of Uncertain Significance.

NM_001130823.3(DNMT1):c.2583G>A (p.Met861Ile)

Gene: DNMT1 (DNA methyltransferase 1; minus strand). Cytogenetic location: 19p13.2.
Variant type: single nucleotide variant.
Coding change: c.2583G>A on transcript NM_001130823.3 (MANE Select); coding-DNA position 2583, G replaced by A.
Protein change: p.Met861Ile; replaces methionine 861 with isoleucine.
Molecular consequence: missense variant.
Genome position (GRCh38, 1-based): chr19:10,149,456, C>T on the plus strand (G>A on the coding strand, the complement: DNMT1 is on the minus strand). VCF-style: chr19-10149456-C-T. GRCh37 (hg19) VCF-style: chr19-10260132-C-T.
Other names: c.2535G>A, p.Met845Ile (NM_001318730.2, NM_001379.4); c.2220G>A, p.Met740Ile (NM_001318731.2); c.2583G>A (NM_001130823.1); short protein forms M845I, M740I, M861I.
Identifiers: ClinVar variation 1425323 (VCV001425323.7), dbSNP rs758465656, ClinGen allele CA9188026.